The following is an entry in ClinVar:

ClinVar aggregate classification (germline): Likely benign (0 of 4 stars; one submission).

Conditions:
AFF2-related disorder. Also called: AFF2-related condition.

gnomAD v4.1: 186 of 1,209,753 alleles (0.015%); highest among the groups gnomAD compares: Middle Eastern, 0.023%; no homozygotes.

Submission:

PreventionGenetics, part of Exact Sciences
Classification: Likely benign for AFF2-related condition. Last evaluated: 2024-09-11. Review status: no assertion criteria provided. Collection method: clinical testing. Allele origin: germline.
Comment: This variant is classified as likely benign based on ACMG/AMP sequence variant interpretation guidelines (Richards et al. 2015 PMID: 25741868, with internal and published modifications).

NM_002025.4(AFF2):c.3345C>T (p.Arg1115=)

Gene: AFF2 (ALF transcription elongation factor 2; plus strand). Cytogenetic location: Xq28.
Variant type: single nucleotide variant.
Coding change: c.3345C>T on transcript NM_002025.4 (MANE Select); coding-DNA position 3345, C replaced by T.
Protein change: p.Arg1115=; no amino-acid change (arginine 1115 retained).
Molecular consequence: synonymous variant.
Genome position (GRCh38, 1-based): chrX:148,973,548, C>T. VCF-style: chrX-148973548-C-T. GRCh37 (hg19) VCF-style: chrX-148055078-C-T.
Other names: c.3240C>T, p.Arg1080= (NM_001169122.2, NM_001169124.2); c.3315C>T, p.Arg1105= (NM_001169123.2); c.3228C>T, p.Arg1076= (NM_001169125.2); c.2268C>T, p.Arg756= (NM_001170628.1).
Identifiers: ClinVar variation 3350660 (VCV003350660.1).